The following is an entry in ClinVar:

ClinVar aggregate classification (germline): Uncertain significance (1 of 4 stars; one submission).

Conditions:
ABCB11-related disorder. Also called: ABCB11-related condition.

gnomAD v4.1: 10 of 1,605,790 alleles (0.00062%); highest among the groups gnomAD compares: Non-Finnish European, 0.00085%; no homozygotes.

Submission:

PreventionGenetics, part of Exact Sciences
Classification: Uncertain significance for ABCB11-related condition. Last evaluated: 2026-08-12. Review status: criteria provided, single submitter. Criteria: ACMG Guidelines, 2015. Collection method: clinical testing. Allele origin: germline.
Comment: The ABCB11 c.1286A>T variant is predicted to result in the amino acid substitution p.Tyr429Phe. To our knowledge, this variant has not been reported in the literature. This variant is reported in 0.0018% of alleles in individuals of European (Non-Finnish) descent in gnomAD. At this time, the clinical significance of this variant is uncertain due to the absence of conclusive functional and genetic evidence.

NM_003742.4(ABCB11):c.1286A>T (p.Tyr429Phe)

Gene: ABCB11 (ATP binding cassette subfamily B member 11; minus strand). Cytogenetic location: 2q31.1.
Variant type: single nucleotide variant.
Coding change: c.1286A>T on transcript NM_003742.4 (MANE Select); coding-DNA position 1286, A replaced by T.
Protein change: p.Tyr429Phe; replaces tyrosine 429 with phenylalanine.
Molecular consequence: missense variant.
Genome position (GRCh38, 1-based): chr2:168,976,599, T>A on the plus strand (A>T on the coding strand, the complement: ABCB11 is on the minus strand). VCF-style: chr2-168976599-T-A. GRCh37 (hg19) VCF-style: chr2-169833109-T-A.
Other names: short protein forms Y429F.
Identifiers: ClinVar variation 4986405 (VCV004986405.1).